The following is an entry in ClinVar:

NM_000320.3(QDPR):c.308A>G (p.Asn103Ser)

Gene: QDPR (quinoid dihydropteridine reductase; minus strand). Cytogenetic location: 4p15.32.
Variant type: single nucleotide variant.
Coding change: c.308A>G on transcript NM_000320.3 (MANE Select); coding-DNA position 308, A replaced by G.
Protein change: p.Asn103Ser; replaces asparagine 103 with serine.
Molecular consequence: missense variant. On other transcripts: non-coding transcript variant (1).
Genome position (GRCh38, 1-based): chr4:17,501,847, T>C on the plus strand (A>G on the coding strand, the complement: QDPR is on the minus strand). VCF-style: chr4-17501847-T-C. GRCh37 (hg19) VCF-style: chr4-17503470-T-C.
Other names: c.215A>G, p.Asn72Ser (NM_001306140.2); c.308A>G (NM_000320.2); short protein forms N72S, N103S.
Identifiers: ClinVar variation 1355120 (VCV001355120.6), dbSNP rs1248495029, ClinGen allele CA356448831.

ClinVar aggregate classification (germline): Uncertain significance. Review status: criteria provided, multiple submitters, no conflicts (2 of 4 stars). 2 submissions from 2 submitters: Uncertain significance (2). Last evaluated 2024-01-23.

Conditions:
Dihydropteridine reductase deficiency (HPABH4C). Also called: DHPR DEFICIENCY; BH4-Deficient Hyperphenylalaninemia C; Hyperphenylalaninemia due to dihydropteridine reductase deficiency; Hyperphenylalaninemia, BH-4-deficient, C; Phenylketonuria type 2; HYPERPHENYLALANINEMIA, TETRAHYDROBIOPTERIN-DEFICIENT, DUE TO DHPR DEFICIENCY. Identifiers: Orphanet 226, Orphanet 238583, MedGen C0268465, MONDO:0009862, OMIM 261630.
Inborn genetic diseases. Identifiers: MedGen C0950123, MeSH D030342.

Allele frequency attached by ClinVar (database versions not stated): gnomAD exomes below 0.00001.
gnomAD v4.1: 8 of 1,614,160 alleles (0.0005%); highest among the groups gnomAD compares: Admixed American, 0.0017%; no homozygotes.

Submissions (2):

Ambry Genetics
Classification: Uncertain significance for Inborn genetic diseases. Last evaluated: 2024-01-23. Review status: criteria provided, single submitter. Criteria: Ambry Variant Classification Scheme 2023. Collection method: clinical testing. Allele origin: germline.

Labcorp Genetics (formerly Invitae), Labcorp
Classification: Uncertain significance for Dihydropteridine reductase deficiency. Last evaluated: 2021-08-28. Review status: criteria provided, single submitter. Criteria: Invitae Variant Classification Sherloc (09022015). Collection method: clinical testing. Allele origin: germline.
Comment: This sequence change replaces asparagine with serine at codon 103 of the QDPR protein (p.Asn103Ser). The asparagine residue is highly conserved and there is a small physicochemical difference between asparagine and serine. This variant is not present in population databases (ExAC no frequency). This variant has not been reported in the literature in individuals affected with QDPR-related conditions. Algorithms developed to predict the effect of missense changes on protein structure and function (SIFT, PolyPhen-2, Align-GVGD) all suggest that this variant is likely to be tolerated. In summary, the available evidence is currently insufficient to determine the role of this variant in disease. Therefore, it has been classified as a Variant of Uncertain Significance.